The following is an entry in ClinVar:

NM_000138.5(FBN1):c.8233T>G (p.Ser2745Ala)

Gene: FBN1 (fibrillin 1; minus strand). Cytogenetic location: 15q21.1.
Variant type: single nucleotide variant.
Coding change: c.8233T>G on transcript NM_000138.5 (MANE Select); coding-DNA position 8233, T replaced by G.
Protein change: p.Ser2745Ala; replaces serine 2745 with alanine.
Molecular consequence: missense variant.
Genome position (GRCh38, 1-based): chr15:48,411,373, A>C on the plus strand (T>G on the coding strand, the complement: FBN1 is on the minus strand). VCF-style: chr15-48411373-A-C. GRCh37 (hg19) VCF-style: chr15-48703570-A-C.
Other names: c.8233T>G, p.Ser2745Ala (NM_001406716.1); short protein forms S2745A.
Identifiers: ClinVar variation 2057026 (VCV002057026.4), dbSNP rs1265301698, ClinGen allele CA392320209.

ClinVar aggregate classification (germline): Uncertain significance (1 of 4 stars; one submission).

Conditions:
Familial thoracic aortic aneurysm and aortic dissection (TAAD). Also called: Thoracic aortic aneurysms and dissections. Identifiers: Orphanet 91387, MedGen C4707243, MONDO:0019625.
Marfan syndrome (MFS). Also called: MARFAN SYNDROME, TYPE I; Marfan syndrome type 1; Marfan's syndrome; Marfan syndrome, classic; FBN1-Related Marfan Syndrome. Identifiers: Orphanet 284963, Orphanet 558, MedGen C0024796, MONDO:0007947, OMIM 154700.

Submission:

Labcorp Genetics (formerly Invitae), Labcorp
Classification: Uncertain significance for Marfan syndrome; Familial thoracic aortic aneurysm and aortic dissection. Last evaluated: 2025-06-12. Review status: criteria provided, single submitter. Criteria: Invitae Variant Classification Sherloc (09022015). Collection method: clinical testing. Allele origin: germline.
Comment: This sequence change replaces serine, which is neutral and polar, with alanine, which is neutral and non-polar, at codon 2745 of the FBN1 protein (p.Ser2745Ala). This variant is not present in population databases (gnomAD no frequency). This variant has not been reported in the literature in individuals affected with FBN1-related conditions. ClinVar contains an entry for this variant (Variation ID: 2057026). Invitae Evidence Modeling of protein sequence and biophysical properties (such as structural, functional, and spatial information, amino acid conservation, physicochemical variation, residue mobility, and thermodynamic stability) indicates that this missense variant is not expected to disrupt FBN1 protein function with a negative predictive value of 95%. In summary, the available evidence is currently insufficient to determine the role of this variant in disease. Therefore, it has been classified as a Variant of Uncertain Significance.